The following is an entry in ClinVar:

NM_003482.4(KMT2D):c.11202GCA[5] (p.Gln3744_Gln3745del)

Gene: KMT2D (lysine methyltransferase 2D; minus strand). Cytogenetic location: 12q13.12.
Variant type: Microsatellite.
Coding change: c.11202GCA[5] on transcript NM_003482.4 (MANE Select); five copies in a row of the 3-base unit GCA starting at c.11202; the reference has seven copies in a row; two copies, 6 bases deleted; also written c.11217_11222del.
Protein change: p.Gln3744_Gln3745del.
Molecular consequence: inframe deletion.
Genome position (GRCh38, 1-based): chr12:49,033,483-49,033,488, TGCTGC deleted on the plus strand (GCAGCA on the coding strand, the reverse complement: KMT2D is on the minus strand); deleting any 6 consecutive bases within chr12:49,033,483-49,033,503 gives the same sequence; the position shown is the placement nearest the transcript's 3' end. VCF-style (leftmost placement, unchanged base first): chr12-49033482-TTGCTGC-T. GRCh37 (hg19) VCF-style: chr12-49427265-TTGCTGC-T.
Other names: c.11217_11222del (NM_003482.4); c.11217_11222del6 (NM_003482.3).
Identifiers: ClinVar variation 499553 (VCV000499553.10), dbSNP rs398123707, ClinGen allele CA6546342.

ClinVar aggregate classification (germline): Conflicting classifications of pathogenicity. Review status: criteria provided, conflicting classifications (1 of 4 stars). 4 submissions from 4 submitters: Uncertain significance (3); Likely benign (1). Last evaluated 2026-03-23.

Conditions:
KMT2D-related disorder. Also called: KMT2D-Related Disorders.
Kabuki syndrome. Also called: NIIKAWA-KUROKI SYNDROME; Kabuki make-up syndrome. Identifiers: Orphanet 2322, MedGen C0796004, MONDO:0016512.
Kabuki syndrome 1 (KABUK1). Also called: KMT2D-Related Kabuki Syndrome. Identifiers: Orphanet 2322, MedGen CN030661, MONDO:0007843, OMIM 147920.

Submissions (4):

PreventionGenetics, part of Exact Sciences
Classification: Likely benign for KMT2D-related condition. Last evaluated: 2026-03-23. Review status: criteria provided, single submitter. Criteria: ACMG Guidelines, 2015. Collection method: clinical testing. Allele origin: germline.
Comment: This variant is classified as likely benign based on ACMG/AMP sequence variant interpretation guidelines (Richards et al. 2015 PMID: 25741868, with internal and published modifications).

Labcorp Genetics (formerly Invitae), Labcorp
Classification: Uncertain significance for Kabuki syndrome. Last evaluated: 2026-01-18. Review status: criteria provided, single submitter. Criteria: Invitae Variant Classification Sherloc (09022015). Collection method: clinical testing. Allele origin: germline.
Comment: This variant, c.11217_11222del, results in the deletion of 2 amino acid(s) of the KMT2D protein (p.Gln3744_Gln3745del), but otherwise preserves the integrity of the reading frame. The frequency data for this variant in the population databases is considered unreliable, as metrics indicate poor data quality at this position in the gnomAD database. This variant has been observed in individual(s) with Kabuki syndrome (PMID: 28884922). This variant is also known as c.11215_11220delCAGCAG (p.Gln3739_Gln3740del). Experimental studies and prediction algorithms are not available or were not evaluated, and the functional significance of this variant is currently unknown. In summary, the available evidence is currently insufficient to determine the role of this variant in disease. Therefore, it has been classified as a Variant of Uncertain Significance.

Fulgent Genetics
Classification: Uncertain significance for Kabuki syndrome 1. Last evaluated: 2022-04-07. Review status: criteria provided, single submitter. Criteria: ACMG Guidelines, 2015. Collection method: clinical testing. Allele origin: unknown.

Eurofins Ntd Llc (ga)
Classification: Uncertain significance. Last evaluated: 2017-01-31. Review status: criteria provided, single submitter. Criteria: EGL Classification Definitions 2015. Collection method: clinical testing. Allele origin: germline. Observed: 2 variant alleles, 2 heterozygotes.

Literature cited by the submitters: PubMed 28884922 (cited by Labcorp Genetics (formerly Invitae), Labcorp).